The following is an entry in ClinVar:

NM_001040108.2(MLH3):c.2236A>C (p.Ser746Arg)

Gene: MLH3 (mutL homolog 3; minus strand). Cytogenetic location: 14q24.3.
Variant type: single nucleotide variant.
Coding change: c.2236A>C on transcript NM_001040108.2 (MANE Select); coding-DNA position 2236, A replaced by C.
Protein change: p.Ser746Arg; replaces serine 746 with arginine.
Molecular consequence: missense variant.
Genome position (GRCh38, 1-based): chr14:75,047,420, T>G on the plus strand (A>C on the coding strand, the complement: MLH3 is on the minus strand). VCF-style: chr14-75047420-T-G. GRCh37 (hg19) VCF-style: chr14-75514123-T-G.
Other names: c.2236A>C, p.Ser746Arg (NM_014381.3); short protein forms S746R.
Identifiers: ClinVar variation 4726663 (VCV004726663.1).

ClinVar aggregate classification (germline): Uncertain significance (1 of 4 stars; one submission).

Conditions:
Colorectal cancer, hereditary nonpolyposis, type 7. Identifiers: Orphanet 144, MedGen C1858380, MONDO:0013725, OMIM 614385.

gnomAD v4.1: 1 of 1,613,970 alleles (0.000062%); highest among the groups gnomAD compares: Non-Finnish European, 0.000085%; no homozygotes.

Submission:

Labcorp Genetics (formerly Invitae), Labcorp
Classification: Uncertain significance for Colorectal cancer, hereditary nonpolyposis, type 7. Last evaluated: 2025-11-15. Review status: criteria provided, single submitter. Criteria: Invitae Variant Classification Sherloc (09022015). Collection method: clinical testing. Allele origin: germline.
Comment: This sequence change replaces serine, which is neutral and polar, with arginine, which is basic and polar, at codon 746 of the MLH3 protein (p.Ser746Arg). This variant is not present in population databases (gnomAD no frequency). This variant has not been reported in the literature in individuals affected with MLH3-related conditions. An algorithm developed to predict the effect of missense changes on protein structure and function outputs the following: PolyPhen-2: "Benign". The arginine amino acid residue is found in multiple mammalian species, which suggests that this missense change does not adversely affect protein function. In summary, the available evidence is currently insufficient to determine the role of this variant in disease. Therefore, it has been classified as a Variant of Uncertain Significance.